The following is an entry in ClinVar:

NM_198576.4(AGRN):c.2785C>T (p.Pro929Ser)

Gene: AGRN (agrin; plus strand). Cytogenetic location: 1p36.33.
Variant type: single nucleotide variant.
Coding change: c.2785C>T on transcript NM_198576.4 (MANE Select); coding-DNA position 2785, C replaced by T.
Protein change: p.Pro929Ser; replaces proline 929 with serine.
Molecular consequence: missense variant.
Genome position (GRCh38, 1-based): chr1:1,046,068, C>T. VCF-style: chr1-1046068-C-T. GRCh37 (hg19) VCF-style: chr1-981448-C-T.
Other names: c.2785C>T, p.Pro929Ser (NM_001305275.2); c.2470C>T, p.Pro824Ser (NM_001364727.2); short protein forms P824S, P929S.
Identifiers: ClinVar variation 4999779 (VCV004999779.1).

ClinVar aggregate classification (germline): Uncertain significance (1 of 4 stars; one submission).

Conditions:
AGRN-related disorder. Also called: AGRN-related condition.

gnomAD v4.1: 3 of 1,614,034 alleles (0.00019%); highest among the groups gnomAD compares: South Asian, 0.0022%; no homozygotes.

Submission:

PreventionGenetics, part of Exact Sciences
Classification: Uncertain significance for AGRN-related condition. Last evaluated: 2025-02-07. Review status: criteria provided, single submitter. Criteria: ACMG Guidelines, 2015. Collection method: clinical testing. Allele origin: germline.
Comment: The AGRN c.2785C>T variant is predicted to result in the amino acid substitution p.Pro929Ser. To our knowledge, this variant has not been reported in the literature. This variant is reported in 0.0033% of alleles in individuals of South Asian descent in gnomAD. At this time, the clinical significance of this variant is uncertain due to the absence of conclusive functional and genetic evidence.